The following is an entry in ClinVar:

ClinVar aggregate classification (germline): Uncertain significance (1 of 4 stars; one submission).

Conditions:
Tuberous sclerosis 2 (TSC2). Identifiers: Orphanet 805, MedGen C1860707, MONDO:0013199, OMIM 613254.

Submission:

Labcorp Genetics (formerly Invitae), Labcorp
Classification: Uncertain significance for Tuberous sclerosis 2. Last evaluated: 2025-08-11. Review status: criteria provided, single submitter. Criteria: Invitae Variant Classification Sherloc (09022015). Collection method: clinical testing. Allele origin: germline.
Comment: This sequence change replaces threonine, which is neutral and polar, with serine, which is neutral and polar, at codon 1661 of the TSC2 protein (p.Thr1661Ser). This variant is not present in population databases (gnomAD no frequency). This variant has not been reported in the literature in individuals affected with TSC2-related conditions. ClinVar contains an entry for this variant (Variation ID: 3678464). Invitae Evidence Modeling of protein sequence and biophysical properties (such as structural, functional, and spatial information, amino acid conservation, physicochemical variation, residue mobility, and thermodynamic stability) indicates that this missense variant is not expected to disrupt TSC2 protein function with a negative predictive value of 95%. In summary, the available evidence is currently insufficient to determine the role of this variant in disease. Therefore, it has been classified as a Variant of Uncertain Significance.

NM_000548.5(TSC2):c.4982C>G (p.Thr1661Ser)

Gene: TSC2 (TSC complex subunit 2; plus strand). Cytogenetic location: 16p13.3.
Variant type: single nucleotide variant.
Coding change: c.4982C>G on transcript NM_000548.5 (MANE Select); coding-DNA position 4982, C replaced by G.
Protein change: p.Thr1661Ser; replaces threonine 1661 with serine.
Molecular consequence: missense variant. On other transcripts: non-coding transcript variant (5).
Genome position (GRCh38, 1-based): chr16:2,086,864, C>G. VCF-style: chr16-2086864-C-G. GRCh37 (hg19) VCF-style: chr16-2136865-C-G.
Other names: c.4781C>G, p.Thr1594Ser (NM_001077183.3); c.4913C>G, p.Thr1638Ser (NM_001114382.3); c.4673C>G, p.Thr1558Ser (NM_001318827.2); c.4637C>G, p.Thr1546Ser (NM_001318829.2); c.4802C>G, p.Thr1601Ser (NM_001406670.1); c.4772C>G, p.Thr1591Ser (NM_001406671.1); c.4769C>G, p.Thr1590Ser (NM_001406673.1); c.4766C>G, p.Thr1589Ser (NM_001406675.1); and 26 more; short protein forms T1590S, T1624S, T1660S, T1661S, T1190S, T1437S, T1438S, T1545S.
Identifiers: ClinVar variation 3678464 (VCV003678464.2).